The following is an entry in ClinVar:

ClinVar aggregate classification (germline): Uncertain significance. Review status: criteria provided, multiple submitters, no conflicts (2 of 4 stars). 2 submissions from 2 submitters: Uncertain significance (2). Last evaluated 2025-01-24.

Conditions:
Inborn genetic diseases. Identifiers: MedGen C0950123, MeSH D030342.
DOCK2 deficiency. Also called: Immunodeficiency 40. Identifiers: Orphanet 447737, MedGen C4225328, MONDO:0014637, OMIM 616433.

Allele frequency attached by ClinVar (database versions not stated): gnomAD 0.00001; TOPMed 0.00003; ESP Exome Variant Server 0.00008.
gnomAD v4.1: 10 of 1,613,404 alleles (0.00062%); highest among the groups gnomAD compares: South Asian, 0.0022%; no homozygotes.

Submissions (2):

Ambry Genetics
Classification: Uncertain significance for Inborn genetic diseases. Last evaluated: 2025-01-24. Review status: criteria provided, single submitter. Criteria: Ambry Variant Classification Scheme 2023. Collection method: clinical testing. Allele origin: germline.

Labcorp Genetics (formerly Invitae), Labcorp
Classification: Uncertain significance for DOCK2 deficiency. Last evaluated: 2022-02-01. Review status: criteria provided, single submitter. Criteria: Invitae Variant Classification Sherloc (09022015). Collection method: clinical testing. Allele origin: germline.
Comment: In summary, the available evidence is currently insufficient to determine the role of this variant in disease. Therefore, it has been classified as a Variant of Uncertain Significance. Algorithms developed to predict the effect of missense changes on protein structure and function are either unavailable or do not agree on the potential impact of this missense change (SIFT: "Deleterious"; PolyPhen-2: "Benign"; Align-GVGD: "Class C0"). This variant has not been reported in the literature in individuals affected with DOCK2-related conditions. This variant is present in population databases (rs145262338, gnomAD 0.004%). This sequence change replaces arginine, which is basic and polar, with glutamine, which is neutral and polar, at codon 1274 of the DOCK2 protein (p.Arg1274Gln).

NM_004946.3(DOCK2):c.3821G>A (p.Arg1274Gln)

Gene: DOCK2 (dedicator of cytokinesis 2; plus strand). Cytogenetic location: 5q35.1.
Variant type: single nucleotide variant.
Coding change: c.3821G>A on transcript NM_004946.3 (MANE Select); coding-DNA position 3821, G replaced by A.
Protein change: p.Arg1274Gln; replaces arginine 1274 with glutamine.
Molecular consequence: missense variant. On other transcripts: non-coding transcript variant (1).
Genome position (GRCh38, 1-based): chr5:170,042,077, G>A. VCF-style: chr5-170042077-G-A. GRCh37 (hg19) VCF-style: chr5-169469081-G-A.
Other names: c.3821G>A (NM_004946.2); short protein forms R1274Q.
Identifiers: ClinVar variation 2083827 (VCV002083827.5), dbSNP rs145262338, ClinGen allele CA132044715.